The following is an entry in ClinVar:

ClinVar aggregate classification (germline): Uncertain significance (1 of 4 stars; one submission).

Allele frequency attached by ClinVar (database versions not stated): gnomAD 0.00001; TOPMed 0.00003; ExAC 0.00012; 1000 Genomes Project 30x 0.00031; 1000 Genomes Project 0.00040.
gnomAD v4.1: 27 of 1,543,300 alleles (0.0017%); highest among the groups gnomAD compares: Admixed American, 0.016%; no homozygotes.

Submission:

Labcorp Genetics (formerly Invitae), Labcorp
Classification: Uncertain significance. Last evaluated: 2023-07-28. Review status: criteria provided, single submitter. Criteria: Invitae Variant Classification Sherloc (09022015). Collection method: clinical testing. Allele origin: germline.
Comment: This sequence change replaces aspartic acid, which is acidic and polar, with asparagine, which is neutral and polar, at codon 629 of the DGKZ protein (p.Asp629Asn). In summary, the available evidence is currently insufficient to determine the role of this variant in disease. Therefore, it has been classified as a Variant of Uncertain Significance. An algorithm developed to predict the effect of missense changes on protein structure and function (PolyPhen-2) suggests that this variant is likely to be disruptive. ClinVar contains an entry for this variant (Variation ID: 2420815). This variant has not been reported in the literature in individuals affected with DGKZ-related conditions. This variant is present in population databases (rs184507827, gnomAD 0.02%).

NM_001199267.2(DGKZ):c.1318G>A (p.Asp440Asn)

Gene: DGKZ (diacylglycerol kinase zeta; plus strand). Cytogenetic location: 11p11.2.
Variant type: single nucleotide variant.
Coding change: c.1318G>A on transcript NM_001199267.2 (MANE Select); coding-DNA position 1318, G replaced by A.
Protein change: p.Asp440Asn; replaces aspartic acid 440 with asparagine.
Molecular consequence: missense variant.
Genome position (GRCh38, 1-based): chr11:46,373,096, G>A. VCF-style: chr11-46373096-G-A. GRCh37 (hg19) VCF-style: chr11-46394646-G-A.
Other names: c.1885G>A, p.Asp629Asn (NM_001105540.2); c.1321G>A, p.Asp441Asn (NM_001199266.2, NM_003646.4); c.1252G>A, p.Asp418Asn (NM_001199268.2); c.1369G>A, p.Asp457Asn (NM_201532.3); c.1333G>A, p.Asp445Asn (NM_201533.3); short protein forms D418N, D440N, D441N, D445N, D457N, D629N.
Identifiers: ClinVar variation 2420815 (VCV002420815.6), dbSNP rs184507827, ClinGen allele CA5962791.